The following is an entry in ClinVar:

ClinVar aggregate classification (germline): Uncertain significance (1 of 4 stars; one submission).

Submission:

Labcorp Genetics (formerly Invitae), Labcorp
Classification: Uncertain significance. Last evaluated: 2024-10-08. Review status: criteria provided, single submitter. Criteria: Invitae Variant Classification Sherloc (09022015). Collection method: clinical testing. Allele origin: germline.
Comment: This sequence change replaces arginine, which is basic and polar, with glutamic acid, which is acidic and polar, at codon 466 of the MERTK protein (p.Arg466Glu). This variant is present in population databases (rs386649210, gnomAD 0.004%). This variant has not been reported in the literature in individuals affected with MERTK-related conditions. ClinVar contains an entry for this variant (Variation ID: 1414697). An algorithm developed to predict the effect of missense changes on protein structure and function (PolyPhen-2) suggests that this variant¬†is likely to be tolerated. In summary, the available evidence is currently insufficient to determine the role of this variant in disease. Therefore, it has been classified as a Variant of Uncertain Significance.

NM_006343.3(MERTK):c.1396_1397delinsGA (p.Arg466Glu)

Gene: MERTK (MER proto-oncogene, tyrosine kinase; plus strand). Cytogenetic location: 2q13.
Variant type: Indel.
Coding change: c.1396_1397delinsGA on transcript NM_006343.3 (MANE Select); coding-DNA positions 1396 to 1397, AG replaced by GA.
Protein change: p.Arg466Glu; replaces arginine 466 with glutamic acid.
Molecular consequence: missense variant.
Genome position (GRCh38, 1-based): chr2:111,994,350-111,994,351, AG replaced by GA. VCF-style: chr2-111994350-AG-GA. GRCh37 (hg19) VCF-style: chr2-112751927-AG-GA.
Other names: short protein forms R466E.
Identifiers: ClinVar variation 1414697 (VCV001414697.6), dbSNP rs386649210, ClinGen allele CA53572600.